The following is an entry in ClinVar:

ClinVar aggregate classification (germline): Uncertain significance (1 of 4 stars; one submission).

Conditions:
Welander distal myopathy (WDM). Also called: Distal myopathy, Swedish type; Gower's muscular dystrophy; MUSCULAR DYSTROPHY, DISTAL, LATE-ONSET, AUTOSOMAL DOMINANT; Welander distal myopathy, Swedish type. Identifiers: Orphanet 603, MedGen C0221054, MONDO:0011466, OMIM 604454.

Submission:

Labcorp Genetics (formerly Invitae), Labcorp
Classification: Uncertain significance for Welander distal myopathy. Last evaluated: 2021-10-23. Review status: criteria provided, single submitter. Criteria: Invitae Variant Classification Sherloc (09022015). Collection method: clinical testing. Allele origin: germline.
Comment: This variant has not been reported in the literature in individuals affected with TIA1-related conditions. This variant is not present in population databases (ExAC no frequency). This sequence change replaces asparagine with threonine at codon 156 of the TIA1 protein (p.Asn156Thr). The asparagine residue is highly conserved and there is a small physicochemical difference between asparagine and threonine. Algorithms developed to predict the effect of missense changes on protein structure and function (SIFT, PolyPhen-2, Align-GVGD) all suggest that this variant is likely to be tolerated. In summary, the available evidence is currently insufficient to determine the role of this variant in disease. Therefore, it has been classified as a Variant of Uncertain Significance.

NM_022173.4(TIA1):c.467A>C (p.Asn156Thr)

Gene: TIA1 (TIA1 cytotoxic granule associated RNA binding protein; minus strand). Cytogenetic location: 2p13.3.
Variant type: single nucleotide variant.
Coding change: c.467A>C on transcript NM_022173.4 (MANE Select); coding-DNA position 467, A replaced by C.
Protein change: p.Asn156Thr; replaces asparagine 156 with threonine.
Molecular consequence: missense variant. On other transcripts: 3 prime UTR variant (2), non-coding transcript variant (17).
Genome position (GRCh38, 1-based): chr2:70,224,561, T>G on the plus strand (A>C on the coding strand, the complement: TIA1 is on the minus strand). VCF-style: chr2-70224561-T-G. GRCh37 (hg19) VCF-style: chr2-70451693-T-G.
Other names: c.467A>C, p.Asn156Thr (NM_001351508.2, NM_001351516.2, NM_001351518.2 and 1 more transcripts); c.440A>C, p.Asn147Thr (NM_001351509.2); c.434A>C, p.Asn145Thr (NM_001351510.2, NM_001351521.2, NM_022037.4); c.356A>C, p.Asn119Thr (NM_001351511.1); c.329A>C, p.Asn110Thr (NM_001351512.1); c.323A>C, p.Asn108Thr (NM_001351513.1); c.239A>C, p.Asn80Thr (NM_001351514.2, NM_001351523.2); c.164A>C, p.Asn55Thr (NM_001351515.2); and 3 more; short protein forms N147T, N156T, N108T, N119T, N145T, N55T, N16T, N80T.
Identifiers: ClinVar variation 1388878 (VCV001388878.6), dbSNP rs2104292077, ClinGen allele CA347155455.